The following is an entry in ClinVar:

ClinVar aggregate classification (germline): Pathogenic. Review status: criteria provided, single submitter (1 of 4 stars). 2 submissions from 2 submitters: Pathogenic (1). 1 of the submissions does not count toward it. Last evaluated 2024-07-03.

Conditions:
Tuberous sclerosis syndrome (TSC). Also called: Tuberous Sclerosis Complex; Tuberous sclerosis. Identifiers: Orphanet 805, MedGen C0041341, MONDO:0001734.

Submissions (2):

Cambridge Genomics Laboratory, East Genomic Laboratory Hub, NHS Genomic Medicine Service
Classification: Pathogenic for Tuberous sclerosis. Last evaluated: 2024-07-03. Review status: criteria provided, single submitter. Criteria: ACGS Best Practice Guidelines for Variant Classification in Rare Disease 2020. Collection method: clinical testing. Allele origin: germline. Affected: yes.
Comment: PVS1,PM2,PP4

Tuberous sclerosis database (TSC1)
No classification provided. Condition: TSC. Review status: no classification provided. Criteria: Tuberous Sclerosis Database Assertion Criteria 2015. Collection method: curation. Allele origin: germline. Affected: yes. Not counted in ClinVar's aggregate classification.

NM_000368.5(TSC1):c.2332C>T (p.Gln778Ter)

Gene: TSC1 (TSC complex subunit 1; minus strand). Cytogenetic location: 9q34.13.
Variant type: single nucleotide variant.
Coding change: c.2332C>T on transcript NM_000368.5 (MANE Select); coding-DNA position 2332, C replaced by T.
Protein change: p.Gln778Ter; replaces glutamine 778 with a stop codon.
Molecular consequence: nonsense.
Genome position (GRCh38, 1-based): chr9:132,902,664, G>A on the plus strand (C>T on the coding strand, the complement: TSC1 is on the minus strand). VCF-style: chr9-132902664-G-A. GRCh37 (hg19) VCF-style: chr9-135778051-G-A.
Other names: c.2329C>T, p.Gln777Ter (NM_001162426.2); c.2179C>T, p.Gln727Ter (NM_001162427.2); c.1969C>T, p.Gln657Ter (NM_001362177.2); short protein forms Q778*, Q727*, Q777*, Q657*.
Identifiers: ClinVar variation 48940 (VCV000048940.3), dbSNP rs118203679, ClinGen allele CA006315.